The following is an entry in ClinVar:

NM_004484.4(GPC3):c.86C>T (p.Pro29Leu)

Gene: GPC3 (glypican 3; minus strand). Cytogenetic location: Xq26.2.
Variant type: single nucleotide variant.
Coding change: c.86C>T on transcript NM_004484.4 (MANE Select); coding-DNA position 86, C replaced by T.
Protein change: p.Pro29Leu; replaces proline 29 with leucine.
Molecular consequence: missense variant.
Genome position (GRCh38, 1-based): chrX:133,985,364, G>A on the plus strand (C>T on the coding strand, the complement: GPC3 is on the minus strand). VCF-style: chrX-133985364-G-A. GRCh37 (hg19) VCF-style: chrX-133119391-G-A.
Other names: c.86C>T, p.Pro29Leu (NM_001164617.2, NM_001164618.2, NM_001164619.2); short protein forms P29L.
Identifiers: ClinVar variation 1975676 (VCV001975676.5), dbSNP rs1316184947, ClinGen allele CA414707067.
Genomic context (GRCh38, chrX:133,985,364, plus strand): 5'-AGTCCGGGCTGCAGTCTCTGGAAGAAGGAGCGGACTTGGTGACAGGTGGCGTCCGGCGGC[G>A]GCGGCGGGGGCTGCGCCTGTCCCGGGAAGTCCAAGCTGAGCAGCATCGCCACCACCAAGC-3'
Protein context (NP_004475.1, residues 19-39): DFPGQAQPPP[Pro29Leu]PPDATCHQVR

ClinVar aggregate classification (germline): Uncertain significance (1 of 4 stars; one submission).

Conditions:
Wilms tumor 1 (WT1). Also called: Wilms tumor, somatic. Identifiers: Orphanet 654, MedGen CN033288, MONDO:0008679, OMIM 194070.

Allele frequency attached by ClinVar (database versions not stated): TOPMed below 0.00001; gnomAD 0.00001.
gnomAD v4.1: 1 of 1,201,291 alleles (0.000083%); highest among the groups gnomAD compares: Non-Finnish European, 0.00011%; no homozygotes.

Submission:

Labcorp Genetics (formerly Invitae), Labcorp
Classification: Uncertain significance for Wilms tumor 1. Last evaluated: 2024-04-22. Review status: criteria provided, single submitter. Criteria: Invitae Variant Classification Sherloc (09022015). Collection method: clinical testing. Allele origin: germline.
Comment: This sequence change replaces proline, which is neutral and non-polar, with leucine, which is neutral and non-polar, at codon 29 of the GPC3 protein (p.Pro29Leu). This variant is not present in population databases (gnomAD no frequency). This variant has not been reported in the literature in individuals affected with GPC3-related conditions. ClinVar contains an entry for this variant (Variation ID: 1975676). Advanced modeling of protein sequence and biophysical properties (such as structural, functional, and spatial information, amino acid conservation, physicochemical variation, residue mobility, and thermodynamic stability) performed at Invitae indicates that this missense variant is not expected to disrupt GPC3 protein function with a negative predictive value of 80%. In summary, the available evidence is currently insufficient to determine the role of this variant in disease. Therefore, it has been classified as a Variant of Uncertain Significance.